The following is an entry in ClinVar:

ClinVar aggregate classification (germline): Uncertain significance (1 of 4 stars; one submission).

Conditions:
Hereditary cancer-predisposing syndrome. Also called: Neoplastic Syndromes, Hereditary; Hereditary Cancer Syndrome; Hereditary neoplastic syndrome; Tumor predisposition. Identifiers: Orphanet 140162, MedGen C0027672, MeSH D009386, MONDO:0015356.

Submission:

Ambry Genetics
Classification: Uncertain significance for Hereditary cancer-predisposing syndrome. Last evaluated: 2023-05-19. Review status: criteria provided, single submitter. Criteria: Ambry Variant Classification Scheme 2023. Collection method: clinical testing. Allele origin: germline.
Comment: The p.T475A variant (also known as c.1423A>G), located in coding exon 13 of the FANCC gene, results from an A to G substitution at nucleotide position 1423. The threonine at codon 475 is replaced by alanine, an amino acid with similar properties. This amino acid position is conserved. In addition, this alteration is predicted to be tolerated by in silico analysis. Since supporting evidence is limited at this time, the clinical significance of this alteration remains unclear.

NM_000136.3(FANCC):c.1423A>G (p.Thr475Ala)

Genes: AOPEP (aminopeptidase O (putative); plus strand), FANCC (FA complementation group C; minus strand). Cytogenetic location: 9q22.32.
Variant type: single nucleotide variant.
Coding change: c.1423A>G on transcript NM_000136.3 (MANE Select); coding-DNA position 1423, A replaced by G.
Protein change: p.Thr475Ala; replaces threonine 475 with alanine.
Molecular consequence: missense variant.
Genome position (GRCh38, 1-based): chr9:95,107,176, T>C on the plus strand (A>G on the coding strand, the complement: FANCC is on the minus strand). VCF-style: chr9-95107176-T-C. GRCh37 (hg19) VCF-style: chr9-97869458-T-C.
Other names: c.1423A>G, p.Thr475Ala (NM_001243743.2); short protein forms T475A.
Identifiers: ClinVar variation 2565550 (VCV002565550.2), dbSNP rs2540809415, ClinGen allele CA374106013.